The following is an entry in ClinVar:

ClinVar aggregate classification (germline): Uncertain significance (1 of 4 stars; one submission).

Allele frequency attached by ClinVar (database versions not stated): gnomAD exomes below 0.00001.
gnomAD v4.1: 4 of 1,552,008 alleles (0.00026%); highest among the groups gnomAD compares: Non-Finnish European, 0.00035%; no homozygotes.

Submission:

Labcorp Genetics (formerly Invitae), Labcorp
Classification: Uncertain significance. Last evaluated: 2022-11-10. Review status: criteria provided, single submitter. Criteria: Invitae Variant Classification Sherloc (09022015). Collection method: clinical testing. Allele origin: germline.
Comment: This sequence change replaces lysine, which is basic and polar, with glutamic acid, which is acidic and polar, at codon 665 of the RASGRP1 protein (p.Lys665Glu). This variant is not present in population databases (gnomAD no frequency). This variant has not been reported in the literature in individuals affected with RASGRP1-related conditions. Advanced modeling of protein sequence and biophysical properties (such as structural, functional, and spatial information, amino acid conservation, physicochemical variation, residue mobility, and thermodynamic stability) performed at Invitae indicates that this missense variant is not expected to disrupt RASGRP1 protein function. In summary, the available evidence is currently insufficient to determine the role of this variant in disease. Therefore, it has been classified as a Variant of Uncertain Significance.

NM_005739.4(RASGRP1):c.1993A>G (p.Lys665Glu)

Gene: RASGRP1 (RAS guanyl releasing protein 1; minus strand). Cytogenetic location: 15q14.
Variant type: single nucleotide variant.
Coding change: c.1993A>G on transcript NM_005739.4 (MANE Select); coding-DNA position 1993, A replaced by G.
Protein change: p.Lys665Glu; replaces lysine 665 with glutamic acid.
Molecular consequence: missense variant. On other transcripts: intron variant (1).
Genome position (GRCh38, 1-based): chr15:38,494,648, T>C on the plus strand (A>G on the coding strand, the complement: RASGRP1 is on the minus strand). VCF-style: chr15-38494648-T-C. GRCh37 (hg19) VCF-style: chr15-38786849-T-C.
Other names: c.1888A>G, p.Lys630Glu (NM_001128602.2); c.1769-3960A>G (NM_001306086.2); short protein forms K665E, K630E.
Identifiers: ClinVar variation 2997609 (VCV002997609.3), dbSNP rs2542847869, ClinGen allele CA391662267.